The following is an entry in ClinVar:

ClinVar aggregate classification (germline): Uncertain significance. Review status: criteria provided, multiple submitters, no conflicts (2 of 4 stars). 2 submissions from 2 submitters: Uncertain significance (2). Last evaluated 2025-01-31.

Conditions:
Inborn genetic diseases. Identifiers: MedGen C0950123, MeSH D030342.
Developmental and epileptic encephalopathy, 9 (DEE9). Also called: EPILEPSY, FEMALE-RESTRICTED, WITH MENTAL RETARDATION; JUBERG-HELLMAN SYNDROME; PCDH19-Related X-Linked Female-Limited Epilepsy with Mental Retardation; Early infantile epileptic encephalopathy 9. Identifiers: Orphanet 101039, Orphanet 2076, MedGen C1848137, MONDO:0010246, OMIM 300088. Disease mechanism: loss of function.

Allele frequency attached by ClinVar (database versions not stated): TOPMed below 0.00001.

Submissions (2):

Ambry Genetics
Classification: Uncertain significance for Inborn genetic diseases. Last evaluated: 2025-01-31. Review status: criteria provided, single submitter. Criteria: Ambry Variant Classification Scheme 2023. Collection method: clinical testing. Allele origin: germline.

Labcorp Genetics (formerly Invitae), Labcorp
Classification: Uncertain significance for Developmental and epileptic encephalopathy, 9. Last evaluated: 2022-03-28. Review status: criteria provided, single submitter. Criteria: Invitae Variant Classification Sherloc (09022015). Collection method: clinical testing. Allele origin: germline.
Comment: Algorithms developed to predict the effect of missense changes on protein structure and function are either unavailable or do not agree on the potential impact of this missense change (SIFT: "Deleterious"; PolyPhen-2: "Benign"; Align-GVGD: "Class C0"). In summary, the available evidence is currently insufficient to determine the role of this variant in disease. Therefore, it has been classified as a Variant of Uncertain Significance. This variant has not been reported in the literature in individuals affected with PCDH19-related conditions. This variant is not present in population databases (gnomAD no frequency). This sequence change replaces proline, which is neutral and non-polar, with serine, which is neutral and polar, at codon 744 of the PCDH19 protein (p.Pro744Ser).

NM_001184880.2(PCDH19):c.2230C>T (p.Pro744Ser)

Genes: PCDH19 (protocadherin 19; minus strand), LOC125467768 (CDK7 strongly-dependent group 2 enhancer GRCh37_chrX:99657381-99658580; plus strand). Cytogenetic location: Xq22.1.
Variant type: single nucleotide variant.
Coding change: c.2230C>T on transcript NM_001184880.2 (MANE Select); coding-DNA position 2230, C replaced by T.
Protein change: p.Pro744Ser; replaces proline 744 with serine.
Molecular consequence: missense variant. On other transcripts: intron variant (2).
Genome position (GRCh38, 1-based): chrX:100,403,582, G>A on the plus strand (C>T on the coding strand, the complement: PCDH19 is on the minus strand). VCF-style: chrX-100403582-G-A. GRCh37 (hg19) VCF-style: chrX-99658580-G-A.
Other names: c.2148-731C>T (NM_020766.3, NM_001105243.2); c.2230C>T (NM_001184880.1); short protein forms P744S.
Identifiers: ClinVar variation 1952634 (VCV001952634.6), dbSNP rs1928260223, ClinGen allele CA414006952.